The following is an entry in ClinVar:

NM_002437.5(MPV17):c.462-18_*60del

Gene: MPV17 (mitochondrial inner membrane protein MPV17; minus strand). Cytogenetic location: 2p23.3.
Variant type: Deletion.
Coding change: c.462-18_*60del on transcript NM_002437.5 (MANE Select); 18 bases into the intron before coding-DNA position 462 through 60 bases downstream of the stop codon, 148 bases deleted.
Molecular consequence: splice acceptor variant.
Genome position (GRCh38, 1-based): chr2:27,309,852-27,309,999, 148 bases deleted. GRCh37 (hg19): chr2:27,532,720-27,532,867.
Identifiers: ClinVar variation 2672805 (VCV002672805.23), dbSNP rs2465669175, ClinGen allele CA2695200442.

ClinVar aggregate classification (germline): Pathogenic (1 of 4 stars; one submission).

Submission:

CeGaT Center for Human Genetics Tuebingen
Classification: Pathogenic. Last evaluated: 2023-11-01. Review status: criteria provided, single submitter. Criteria: CeGaT Center For Human Genetics Tuebingen Variant Classification Criteria Version 2. Collection method: clinical testing. Allele origin: germline. Affected: yes. Observed: 1 variant allele.
Comment: MPV17: PVS1, PM2